The following is an entry in ClinVar:

ClinVar aggregate classification (germline): Uncertain significance. Review status: criteria provided, multiple submitters, no conflicts (2 of 4 stars). 2 submissions from 2 submitters: Uncertain significance (2). Last evaluated 2026-06-01.

Conditions:
MYO6-related disorder. Also called: MYO6-related condition; MYO6-related disorders.

gnomAD v4.1: 4 of 1,614,052 alleles (0.00025%); highest among the groups gnomAD compares: Admixed American, 0.005%; no homozygotes.

Submissions (2):

CeGaT Center for Human Genetics Tuebingen
Classification: Uncertain significance. Last evaluated: 2026-06-01. Review status: criteria provided, single submitter. Criteria: CeGaT Center For Human Genetics Tuebingen Variant Classification Criteria Version 2. Collection method: clinical testing. Allele origin: germline. Affected: yes. Observed: 1 variant allele.
Comment: MYO6: PM2

PreventionGenetics, part of Exact Sciences
Classification: Uncertain significance for MYO6-related condition. Last evaluated: 2026-05-12. Review status: criteria provided, single submitter. Criteria: ACMG Guidelines, 2015. Collection method: clinical testing. Allele origin: germline.
Comment: The MYO6 c.3803G>A variant is predicted to result in the amino acid substitution p.Ser1268Asn. To our knowledge, this variant has not been reported in the literature. This variant is reported in 0.0087% of alleles in individuals of Latino descent in gnomAD. At this time, the clinical significance of this variant is uncertain due to the absence of conclusive functional and genetic evidence.

NM_004999.4(MYO6):c.3803G>A (p.Ser1268Asn)

Gene: MYO6 (myosin VI; plus strand). Cytogenetic location: 6q14.1.
Variant type: single nucleotide variant.
Coding change: c.3803G>A on transcript NM_004999.4 (MANE Select); coding-DNA position 3803, G replaced by A.
Protein change: p.Ser1268Asn; replaces serine 1268 with asparagine.
Molecular consequence: missense variant. On other transcripts: non-coding transcript variant (1).
Genome position (GRCh38, 1-based): chr6:75,914,957, G>A. VCF-style: chr6-75914957-G-A. GRCh37 (hg19) VCF-style: chr6-76624674-G-A.
Other names: c.3803G>A (NM_004999.3); c.3734G>A, p.Ser1245Asn (NM_001300899.2); c.3707G>A, p.Ser1236Asn (NM_001368136.1); c.3764G>A, p.Ser1255Asn (NM_001368137.1); c.3719G>A, p.Ser1240Asn (NM_001368138.1); c.3830G>A, p.Ser1277Asn (NM_001368865.1); c.3803G>A, p.Ser1268Asn (NM_001368866.1); short protein forms S1236N, S1240N, S1245N, S1255N, S1268N, S1277N.
Identifiers: ClinVar variation 4875037 (VCV004875037.3).